The following is an entry in ClinVar:

ClinVar aggregate classification (germline): Likely pathogenic (1 of 4 stars; one submission).

Allele frequency attached by ClinVar (database versions not stated): gnomAD exomes below 0.00001; ExAC 0.00001.
gnomAD v4.1: 2 of 1,605,870 alleles (0.00012%); highest among the groups gnomAD compares: South Asian, 0.0022%; no homozygotes.

Submission:

Labcorp Genetics (formerly Invitae), Labcorp
Classification: Likely pathogenic. Last evaluated: 2021-08-31. Review status: criteria provided, single submitter. Criteria: Invitae Variant Classification Sherloc (09022015). Collection method: clinical testing. Allele origin: germline.
Comment: This sequence change affects an acceptor splice site in intron 41 of the MYO7A gene. It is expected to disrupt RNA splicing. Variants that disrupt the donor or acceptor splice site typically lead to a loss of protein function (PMID: 16199547), and loss-of-function variants in MYO7A are known to be pathogenic (PMID: 8900236, 25404053). In summary, the currently available evidence indicates that the variant is pathogenic, but additional data are needed to prove that conclusively. Therefore, this variant has been classified as Likely Pathogenic. Algorithms developed to predict the effect of sequence changes on RNA splicing suggest that this variant may disrupt the consensus splice site. This variant has not been reported in the literature in individuals affected with MYO7A-related conditions. This variant is present in population databases (rs752310721, ExAC 0.008%).

Literature cited by the submitters: PubMed 16199547; PubMed 8900236; PubMed 25404053.

NM_000260.4(MYO7A):c.5743-2A>G

Gene: MYO7A (myosin VIIA; plus strand). Cytogenetic location: 11q13.5.
Variant type: single nucleotide variant.
Coding change: c.5743-2A>G on transcript NM_000260.4 (MANE Select); the canonical splice acceptor site of the intron before coding-DNA position 5743, A replaced by G.
Molecular consequence: splice acceptor variant.
Genome position (GRCh38, 1-based): chr11:77,207,287, A>G. VCF-style: chr11-77207287-A-G. GRCh37 (hg19) VCF-style: chr11-76918332-A-G.
Other names: c.5596-2A>G (NM_001369365.1); c.5629-2A>G (NM_001127180.2).
Identifiers: ClinVar variation 1481877 (VCV001481877.6), dbSNP rs752310721, ClinGen allele CA6198824.